The following is an entry in ClinVar:

ClinVar aggregate classification (germline): Uncertain significance (1 of 4 stars; one submission).

Conditions:
Congenital disorder of deglycosylation 2 (CDDG2). Identifiers: MedGen C5676931, MONDO:0030770, OMIM 619775.

gnomAD v4.1: 6 of 1,611,672 alleles (0.00037%); highest among the groups gnomAD compares: Middle Eastern, 0.016%; no homozygotes.

Submission:

Laboratorio de Genetica e Diagnostico Molecular, Hospital Israelita Albert Einstein
Classification: Uncertain significance for Congenital disorder of deglycosylation 2. Last evaluated: 2025-01-29. Review status: criteria provided, single submitter. Criteria: ACMG Guidelines, 2015. Collection method: clinical testing. Allele origin: germline. Affected: yes.
Comment: ACMG classification criteria: PM2 supporting

NM_006715.4(MAN2C1):c.1792+11C>A

Gene: MAN2C1 (mannosidase alpha class 2C member 1; minus strand). Cytogenetic location: 15q24.2.
Variant type: single nucleotide variant.
Coding change: c.1792+11C>A on transcript NM_006715.4 (MANE Select); 11 bases into the intron after coding-DNA position 1792, C replaced by A.
Molecular consequence: intron variant.
Genome position (GRCh38, 1-based): chr15:75,359,892, G>T on the plus strand (C>A on the coding strand, the complement: MAN2C1 is on the minus strand). VCF-style: chr15-75359892-G-T. GRCh37 (hg19) VCF-style: chr15-75652233-G-T.
Other names: c.1495+11C>A (NM_001256496.2); c.1792+11C>A (NM_001256495.2, NM_001256494.2).
Identifiers: ClinVar variation 4056596 (VCV004056596.1).